The following is an entry in ClinVar:

NM_014844.5(TECPR2):c.3750_3763dup (p.Trp1255fs)

Gene: TECPR2 (tectonin beta-propeller repeat containing 2; plus strand). Cytogenetic location: 14q32.31.
Variant type: Duplication.
Coding change: c.3750_3763dup on transcript NM_014844.5 (MANE Select); coding-DNA positions 3750 to 3763, 14 bases duplicated (CATGCTTCCAGCCT).
Protein change: p.Trp1255fs; shifts the reading frame from tryptophan 1255.
Molecular consequence: frameshift variant.
Genome position (GRCh38, 1-based): chr14:102,465,250-102,465,263, CATGCTTCCAGCCT duplicated; duplicating any 14 consecutive bases within chr14:102,465,248-102,465,263 gives the same sequence; the c. name uses the placement nearest the transcript's 3' end. VCF-style (leftmost placement, unchanged base first): chr14-102465247-T-TCTCATGCTTCCAGC. GRCh37 (hg19) VCF-style: chr14-102931584-T-TCTCATGCTTCCAGC.
Other names: c.3750_3763dup, p.Trp1255fs (NM_001172631.3); short protein forms W1255fs.
Identifiers: ClinVar variation 2107566 (VCV002107566.4), dbSNP rs2504480471, ClinGen allele CA2580088424.

ClinVar aggregate classification (germline): Pathogenic (1 of 4 stars; one submission).

Conditions:
Hereditary spastic paraplegia 49 (HSAN9). Also called: TECPR2-Related Hereditary Sensory and Autonomic Neuropathy with Intellectual Disability; NEUROPATHY, HEREDITARY SENSORY AND AUTONOMIC, TYPE IX, WITH DEVELOPMENTAL DELAY; Spastic paraplegia 49, autosomal recessive. Identifiers: Orphanet 320385, MedGen C5190860, MONDO:0014016, OMIM 615031.

Submission:

Labcorp Genetics (formerly Invitae), Labcorp
Classification: Pathogenic for Hereditary spastic paraplegia 49. Last evaluated: 2022-03-08. Review status: criteria provided, single submitter. Criteria: Invitae Variant Classification Sherloc (09022015). Collection method: clinical testing. Allele origin: germline.
Comment: For these reasons, this variant has been classified as Pathogenic. This variant has not been reported in the literature in individuals affected with TECPR2-related conditions. This variant is not present in population databases (gnomAD no frequency). This sequence change creates a premature translational stop signal (p.Trp1255Serfs*7) in the TECPR2 gene. It is expected to result in an absent or disrupted protein product. Loss-of-function variants in TECPR2 are known to be pathogenic (PMID: 23176824, 25590979).

Literature cited by the submitters: PubMed 23176824; PubMed 25590979.